The following is an entry in ClinVar:

ClinVar aggregate classification (germline): Conflicting classifications of pathogenicity. Review status: criteria provided, conflicting classifications (1 of 4 stars). 6 submissions from 6 submitters: Uncertain significance (3); Likely benign (3). Last evaluated 2026-01-05.

Conditions:
Parkinsonism-dystonia, infantile. Identifiers: Orphanet 238455, MedGen C2751067, MONDO:0013150.
Tobacco addiction, susceptibility to. Also called: CIGARETTE HABITUATION, SUSCEPTIBILITY TO. Identifiers: MedGen C1861063, MONDO:0100460, OMIM 188890.
Classic dopamine transporter deficiency syndrome (PKDYS1). Also called: DOPAMINE TRANSPORTER DEFICIENCY SYNDROME; Parkinsonism-dystonia, infantile, 1. Identifiers: Orphanet 238455, MedGen C5700336, MONDO:0054835, OMIM 613135.
Inborn genetic diseases. Identifiers: MedGen C0950123, MeSH D030342.

Allele frequency attached by ClinVar (database versions not stated): gnomAD exomes 0.00041 and 0.00049; gnomAD 0.00043 and 0.00044; ESP Exome Variant Server 0.00046; ExAC 0.00050; TOPMed 0.00050; 1000 Genomes Project 0.00060; 1000 Genomes Project 30x 0.00062.
gnomAD v4.1: 699 of 1,612,378 alleles (0.043%); highest among the groups gnomAD compares: East Asian, 0.16%; 2 homozygotes.

Submissions (6):

Labcorp Genetics (formerly Invitae), Labcorp
Classification: Uncertain significance for Parkinsonism-dystonia, infantile. Last evaluated: 2026-01-05. Review status: criteria provided, single submitter. Criteria: Invitae Variant Classification Sherloc (09022015). Collection method: clinical testing. Allele origin: germline.
Comment: This sequence change affects codon 385 of the SLC6A3 mRNA. It is a 'silent' change, meaning that it does not change the encoded amino acid sequence of the SLC6A3 protein. It affects a nucleotide within the consensus splice site. This variant is present in population databases (rs145114326, gnomAD 0.09%), and has an allele count higher than expected for a pathogenic variant. This variant has not been reported in the literature in individuals affected with SLC6A3-related conditions. ClinVar contains an entry for this variant (Variation ID: 538065). Algorithms developed to predict the effect of sequence changes on RNA splicing suggest that this variant is not likely to affect RNA splicing. In summary, the available evidence is currently insufficient to determine the role of this variant in disease. Therefore, it has been classified as a Variant of Uncertain Significance.

Blueprint Genetics
Classification: Likely benign. Last evaluated: 2024-09-12. Review status: criteria provided, single submitter. Criteria: ACMG Guidelines, 2015. Collection method: clinical testing. Allele origin: germline.

Ambry Genetics
Classification: Likely benign for Inborn genetic diseases. Last evaluated: 2022-11-30. Review status: criteria provided, single submitter. Criteria: Ambry Variant Classification Scheme 2023. Collection method: clinical testing. Allele origin: germline.

CeGaT Center for Human Genetics Tuebingen
Classification: Likely benign. Last evaluated: 2022-09-01. Review status: criteria provided, single submitter. Criteria: CeGaT Center For Human Genetics Tuebingen Variant Classification Criteria Version 2. Collection method: clinical testing. Allele origin: germline. Affected: yes. Observed: 1 variant allele.
Comment: SLC6A3: BP4, BP7

Fulgent Genetics
Classification: Uncertain significance for Tobacco addiction, susceptibility to; Classic dopamine transporter deficiency syndrome. Last evaluated: 2021-09-21. Review status: criteria provided, single submitter. Criteria: ACMG Guidelines, 2015. Collection method: clinical testing. Allele origin: unknown.

Breakthrough Genomics
Classification: Uncertain significance. Review status: criteria provided, single submitter. Criteria: ACMG Guidelines, 2015. Collection method: not provided. Allele origin: germline. Inheritance: Autosomal recessive inheritance. Affected: yes.

NM_001044.5(SLC6A3):c.1155C>T (p.Asp385=)

Gene: SLC6A3 (solute carrier family 6 member 3). Cytogenetic location: 5p15.33.
Variant type: single nucleotide variant.
Coding change: c.1155C>T on transcript NM_001044.5 (MANE Select); coding-DNA position 1155, C replaced by T.
Protein change: p.Asp385=; no amino-acid change (aspartic acid 385 retained).
Molecular consequence: synonymous variant.
Genome position (GRCh38, 1-based): chr5:1,414,692, G>A on the plus strand (C>T on the coding strand, the complement: SLC6A3 is on the minus strand). VCF-style: chr5-1414692-G-A. GRCh37 (hg19) VCF-style: chr5-1414807-G-A.
Identifiers: ClinVar variation 538065 (VCV000538065.35), dbSNP rs145114326, ClinGen allele CA3186143.